The following is an entry in ClinVar:

NM_147127.5(EVC2):c.2551A>G (p.Met851Val)

Gene: EVC2 (EvC ciliary complex subunit 2; minus strand). Cytogenetic location: 4p16.2.
Variant type: single nucleotide variant.
Coding change: c.2551A>G on transcript NM_147127.5 (MANE Select); coding-DNA position 2551, A replaced by G.
Protein change: p.Met851Val; replaces methionine 851 with valine.
Molecular consequence: missense variant.
Genome position (GRCh38, 1-based): chr4:5,618,633, T>C on the plus strand (A>G on the coding strand, the complement: EVC2 is on the minus strand). VCF-style: chr4-5618633-T-C. GRCh37 (hg19) VCF-style: chr4-5620360-T-C.
Other names: c.2311A>G, p.Met771Val (NM_001166136.2); short protein forms M771V, M851V.
Identifiers: ClinVar variation 640646 (VCV000640646.6), dbSNP rs373004013, ClinGen allele CA2834672.

ClinVar aggregate classification (germline): Uncertain significance. Review status: criteria provided, multiple submitters, no conflicts (2 of 4 stars). 2 submissions from 2 submitters: Uncertain significance (2). Last evaluated 2022-08-11.

Conditions:
Ellis-van Creveld syndrome (EVC). Also called: Chondroectodermal dysplasia; MESOECTODERMAL DYSPLASIA. Identifiers: Orphanet 289, MedGen C0013903, MONDO:0009162, OMIM 225500.
Curry-Hall syndrome (WAD). Also called: WEYERS ACRODENTAL DYSOSTOSIS. Identifiers: Orphanet 952, MedGen C0457013, MONDO:0008673, OMIM 193530.

Allele frequency attached by ClinVar (database versions not stated): gnomAD 0.00003; gnomAD exomes 0.00003 and 0.00001; ESP Exome Variant Server 0.00008; TOPMed 0.00002; ExAC 0.00003.
gnomAD v4.1: 48 of 1,612,060 alleles (0.003%); highest among the groups gnomAD compares: Non-Finnish European, 0.0039%; no homozygotes.

Submissions (2):

Labcorp Genetics (formerly Invitae), Labcorp
Classification: Uncertain significance for Curry-Hall syndrome; Ellis-van Creveld syndrome. Last evaluated: 2022-08-11. Review status: criteria provided, single submitter. Criteria: Invitae Variant Classification Sherloc (09022015). Collection method: clinical testing. Allele origin: germline.
Comment: This sequence change replaces methionine, which is neutral and non-polar, with valine, which is neutral and non-polar, at codon 851 of the EVC2 protein (p.Met851Val). This variant is present in population databases (rs373004013, gnomAD 0.004%). This variant has not been reported in the literature in individuals affected with EVC2-related conditions. ClinVar contains an entry for this variant (Variation ID: 640646). Algorithms developed to predict the effect of missense changes on protein structure and function output the following: SIFT: "Tolerated"; PolyPhen-2: "Benign"; Align-GVGD: "Class C0". The valine amino acid residue is found in multiple mammalian species, which suggests that this missense change does not adversely affect protein function. Algorithms developed to predict the effect of sequence changes on RNA splicing suggest that this variant may create or strengthen a splice site. In summary, the available evidence is currently insufficient to determine the role of this variant in disease. Therefore, it has been classified as a Variant of Uncertain Significance.

Blueprint Genetics
Classification: Uncertain significance. Last evaluated: 2019-06-29. Review status: criteria provided, single submitter. Criteria: ACMG Guidelines, 2015. Collection method: clinical testing. Allele origin: germline.